The following is an entry in ClinVar:

ClinVar aggregate classification (germline): Pathogenic (1 of 4 stars; one submission).

Submission:

Labcorp Genetics (formerly Invitae), Labcorp
Classification: Pathogenic. Last evaluated: 2023-09-27. Review status: criteria provided, single submitter. Criteria: Invitae Variant Classification Sherloc (09022015). Collection method: clinical testing. Allele origin: germline.
Comment: This sequence change creates a premature translational stop signal (p.Lys537Argfs*16) in the OTOA gene. It is expected to result in an absent or disrupted protein product. Loss-of-function variants in OTOA are known to be pathogenic (PMID: 11972037). This variant is not present in population databases (gnomAD no frequency). This variant has not been reported in the literature in individuals affected with OTOA-related conditions. For these reasons, this variant has been classified as Pathogenic.

Literature cited by the submitters: PubMed 11972037.

NM_144672.4(OTOA):c.1610del (p.Lys537fs)

Gene: OTOA (otoancorin). Cytogenetic location: 16p12.2.
Variant type: Deletion.
Coding change: c.1610del on transcript NM_144672.4 (MANE Select); coding-DNA position 1610, one base deleted.
Protein change: p.Lys537fs; shifts the reading frame from lysine 537.
Molecular consequence: frameshift variant.
Genome position: GRCh38 VCF-style: chr16-21717026-TA-T. GRCh37 (hg19) VCF-style: chr16-21728347-TA-T.
Other names: c.1373del, p.Lys458fs (NM_001161683.2); c.638del, p.Lys213fs (NM_170664.3); short protein forms K537fs, K458fs, K213fs.
Identifiers: ClinVar variation 2829472 (VCV002829472.3), dbSNP rs2507034326, ClinGen allele CA2739266650.
Genomic context (GRCh38, chr16:21,717,026, plus strand): 5'-GGAAGTGTCTCTCTTTGATTTAAGGAGGCAACCTGGATTCAACTCTACAGTCCTGAAGGA[TA>T]AGGAACTTGGAAGGAGCCAGGTATTACCATGAAACACAGATCGATCCTGTATTTCTGACT-3'